The following is an entry in ClinVar:

NM_002317.7(LOX):c.1247+4A>T

Genes: SRFBP1 (serum response factor binding protein 1; plus strand), LOX (lysyl oxidase; minus strand). Cytogenetic location: 5q23.1.
Variant type: single nucleotide variant.
Coding change: c.1247+4A>T on transcript NM_002317.7 (MANE Select); 4 bases into the intron after coding-DNA position 1247, A replaced by T.
Molecular consequence: intron variant.
Genome position (GRCh38, 1-based): chr5:122,070,049, T>A on the plus strand (A>T on the coding strand, the complement: LOX is on the minus strand). VCF-style: chr5-122070049-T-A. GRCh37 (hg19) VCF-style: chr5-121405744-T-A.
Other names: c.557+4A>T (NM_001178102.2); c.356+4A>T (NM_001317073.1).
Identifiers: ClinVar variation 2750181 (VCV002750181.3), dbSNP rs2532900761, ClinGen allele CA2697546428.

ClinVar aggregate classification (germline): Uncertain significance (1 of 4 stars; one submission).

Submission:

Labcorp Genetics (formerly Invitae), Labcorp
Classification: Uncertain significance. Last evaluated: 2024-03-17. Review status: criteria provided, single submitter. Criteria: Invitae Variant Classification Sherloc (09022015). Collection method: clinical testing. Allele origin: germline.
Comment: This sequence change falls in intron 6 of the LOX gene. It does not directly change the encoded amino acid sequence of the LOX protein. It affects a nucleotide within the consensus splice site. This variant is not present in population databases (gnomAD no frequency). This variant has been observed in individual(s) with aortic aneurysm (Invitae). Variants that disrupt the consensus splice site are a relatively common cause of aberrant splicing (PMID: 17576681, 9536098). Algorithms developed to predict the effect of sequence changes on RNA splicing suggest that this variant may disrupt the consensus splice site. In summary, the available evidence is currently insufficient to determine the role of this variant in disease. Therefore, it has been classified as a Variant of Uncertain Significance.

Literature cited by the submitters: PubMed 17576681; PubMed 9536098.